The following is an entry in ClinVar:

NM_005862.3(STAG1):c.3184T>C (p.Ser1062Pro)

Gene: STAG1 (STAG1 cohesin complex component; minus strand). Cytogenetic location: 3q22.3.
Variant type: single nucleotide variant.
Coding change: c.3184T>C on transcript NM_005862.3 (MANE Select); coding-DNA position 3184, T replaced by C.
Protein change: p.Ser1062Pro; replaces serine 1062 with proline.
Molecular consequence: missense variant.
Genome position (GRCh38, 1-based): chr3:136,349,245, A>G on the plus strand (T>C on the coding strand, the complement: STAG1 is on the minus strand). VCF-style: chr3-136349245-A-G. GRCh37 (hg19) VCF-style: chr3-136068087-A-G.
Other names: short protein forms S1062P.
Identifiers: ClinVar variation 1700281 (VCV001700281.2), dbSNP rs2108267944, ClinGen allele CA354642291.

ClinVar aggregate classification (germline): Uncertain significance (1 of 4 stars; one submission).

Submission:

GeneDx
Classification: Uncertain significance. Last evaluated: 2022-02-01. Review status: criteria provided, single submitter. Criteria: GeneDx Variant Classification Process June 2021. Collection method: clinical testing. Allele origin: germline. Affected: yes.
Comment: Not observed at significant frequency in large population cohorts (gnomAD); In silico analysis supports that this missense variant does not alter protein structure/function; Has not been previously published as pathogenic or benign to our knowledge